The following is an entry in ClinVar:

NM_006767.4(LZTR1):c.476C>A (p.Thr159Asn)

Gene: LZTR1 (leucine zipper like post translational regulator 1; plus strand). Cytogenetic location: 22q11.21.
Variant type: single nucleotide variant.
Coding change: c.476C>A on transcript NM_006767.4 (MANE Select); coding-DNA position 476, C replaced by A.
Protein change: p.Thr159Asn; replaces threonine 159 with asparagine.
Molecular consequence: missense variant.
Genome position (GRCh38, 1-based): chr22:20,988,085, C>A. VCF-style: chr22-20988085-C-A. GRCh37 (hg19) VCF-style: chr22-21342374-C-A.
Other names: short protein forms T159N.
Identifiers: ClinVar variation 5023786 (VCV005023786.1).

ClinVar aggregate classification (germline): Uncertain significance (1 of 4 stars; one submission).

Conditions:
Cardiovascular phenotype. Identifiers: MedGen CN230736.
Hereditary cancer-predisposing syndrome. Also called: Neoplastic Syndromes, Hereditary; Tumor predisposition; Hereditary neoplastic syndrome; Hereditary Cancer Syndrome. Identifiers: Orphanet 140162, MedGen C0027672, MeSH D009386, MONDO:0015356.

Submission:

Ambry Genetics
Classification: Uncertain significance for Cardiovascular phenotype; Hereditary cancer-predisposing syndrome. Last evaluated: 2026-08-09. Review status: criteria provided, single submitter. Criteria: Ambry Variant Classification Scheme 2023. Collection method: clinical testing. Allele origin: germline.
Comment: The p.T159N variant (also known as c.476C>A), located in coding exon 5 of the LZTR1 gene, results from a C to A substitution at nucleotide position 476. The threonine at codon 159 is replaced by asparagine, an amino acid with similar properties. This amino acid position is conserved. In addition, this alteration is predicted to be tolerated by in silico analysis. Based on the available evidence, the clinical significance of this variant remains unclear.